The following is an entry in ClinVar:

NM_001113378.2(FANCI):c.1727A>G (p.Asn576Ser)

Gene: FANCI (FA complementation group I; plus strand). Cytogenetic location: 15q26.1.
Variant type: single nucleotide variant.
Coding change: c.1727A>G on transcript NM_001113378.2 (MANE Select); coding-DNA position 1727, A replaced by G.
Protein change: p.Asn576Ser; replaces asparagine 576 with serine.
Molecular consequence: missense variant.
Genome position (GRCh38, 1-based): chr15:89,285,124, A>G. VCF-style: chr15-89285124-A-G. GRCh37 (hg19) VCF-style: chr15-89828355-A-G.
Other names: c.1448A>G, p.Asn483Ser (NM_001376910.1); c.1727A>G, p.Asn576Ser (NM_001376911.1, NM_018193.3); short protein forms N576S, N483S.
Identifiers: ClinVar variation 456194 (VCV000456194.8), dbSNP rs573652425, ClinGen allele CA7723135.
Genomic context (GRCh38, chr15:89,285,124, plus strand): 5'-GATAGACGTGAATTGGCCTGTCTTCCTTTCAGGTTCATGTGGATGTTCACAGCCATTACA[A>G]TTCTGTCGCCAATGAAACTTTTTGCCTTGAGATCATGGATAGTTTGAGGAGATGCTTAAG-3'
Protein context (NP_001106849.1, residues 566-586): QVHVDVHSHY[Asn576Ser]SVANETFCLE

ClinVar aggregate classification (germline): Uncertain significance. Review status: criteria provided, multiple submitters, no conflicts (2 of 4 stars). 3 submissions from 3 submitters: Uncertain significance (3). Last evaluated 2025-01-12.

Conditions:
Fanconi anemia (FA). Also called: Fanconi's anemia. Identifiers: Orphanet 84, MedGen C0015625, MeSH D005199, MONDO:0019391.
Fanconi anemia complementation group I (FANCI). Also called: FANCI-Related Fanconi Anemia. Identifiers: Orphanet 84, MedGen C1836861, MONDO:0012186, OMIM 609053.

Allele frequency attached by ClinVar (database versions not stated): gnomAD 0.00001; TOPMed 0.00002; ExAC 0.00003; gnomAD exomes 0.00005; 1000 Genomes Project 0.00020; 1000 Genomes Project 30x 0.00031.
gnomAD v4.1: 22 of 1,614,136 alleles (0.0014%); highest among the groups gnomAD compares: Admixed American, 0.02%; no homozygotes.

Submissions (3):

Labcorp Genetics (formerly Invitae), Labcorp
Classification: Uncertain significance for Fanconi anemia. Last evaluated: 2025-01-12. Review status: criteria provided, single submitter. Criteria: Invitae Variant Classification Sherloc (09022015). Collection method: clinical testing. Allele origin: germline.
Comment: This sequence change replaces asparagine, which is neutral and polar, with serine, which is neutral and polar, at codon 576 of the FANCI protein (p.Asn576Ser). This variant is present in population databases (rs573652425, gnomAD 0.03%). This variant has not been reported in the literature in individuals affected with FANCI-related conditions. ClinVar contains an entry for this variant (Variation ID: 456194). Invitae Evidence Modeling of protein sequence and biophysical properties (such as structural, functional, and spatial information, amino acid conservation, physicochemical variation, residue mobility, and thermodynamic stability) indicates that this missense variant is not expected to disrupt FANCI protein function with a negative predictive value of 80%. In summary, the available evidence is currently insufficient to determine the role of this variant in disease. Therefore, it has been classified as a Variant of Uncertain Significance.

Fulgent Genetics
Classification: Uncertain significance for Fanconi anemia complementation group I. Last evaluated: 2024-03-05. Review status: criteria provided, single submitter. Criteria: ACMG Guidelines, 2015. Collection method: clinical testing. Allele origin: germline.

Sema4
Classification: Uncertain significance for Fanconi anemia. Last evaluated: 2021-07-02. Review status: criteria provided, single submitter. Criteria: Sema4 Curation Guidelines. Collection method: curation. Allele origin: germline.
Comment: The FANCI c.1727A>G (p.N576S) variant has not been reported in the literature to our knowledge. It was observed in 10/34592 chromosomes of the Latino subpopulation, with no homozygotes, in the large and broad cohorts of the Genome Aggregation Database. The variant has been reported in ClinVar (Variation ID 456194). In silico tools suggest the impact of the variant on protein function is benign, though these predictions have not been confirmed by functional studies. The evidence is insufficient to meet ACMG/AMP criteria for classifying the variant as benign or pathogenic. Thus, the clinical significance of this variant is currently uncertain.